The following is an entry in ClinVar:

NM_017780.4(CHD7):c.7531A>G (p.Arg2511Gly)

Gene: CHD7 (chromodomain helicase DNA binding protein 7; plus strand). Cytogenetic location: 8q12.2.
Variant type: single nucleotide variant.
Coding change: c.7531A>G on transcript NM_017780.4 (MANE Select); coding-DNA position 7531, A replaced by G.
Protein change: p.Arg2511Gly; replaces arginine 2511 with glycine.
Molecular consequence: missense variant. On other transcripts: intron variant (1).
Genome position (GRCh38, 1-based): chr8:60,856,811, A>G. VCF-style: chr8-60856811-A-G. GRCh37 (hg19) VCF-style: chr8-61769370-A-G.
Other names: c.1717-5418A>G (NM_001316690.1); short protein forms R2511G.
Identifiers: ClinVar variation 3235190 (VCV003235190.1), dbSNP rs2488078096.

ClinVar aggregate classification (germline): Uncertain significance (1 of 4 stars; one submission).

Conditions:
CHARGE syndrome (CHARGE). Also called: Hittner Hirsch Kreh syndrome; CHARGE ASSOCIATION--COLOBOMA, HEART ANOMALY, CHOANAL ATRESIA, RETARDATION, GENITAL AND EAR ANOMALIES; Coloboma, heart anomaly, choanal atresia, retardation, genital and ear anomalies; CHARGE association; Hall-Hittner syndrome. Identifiers: Orphanet 138, MedGen C0265354, MONDO:0008965.

Submission:

MVZ Medizinische Genetik Mainz
Classification: Uncertain significance for CHD7-related CHARGE syndrome. Last evaluated: 2023-06-06. Review status: criteria provided, single submitter. Criteria: UK Practice Guidelines For Variant Classification V4 01 2020. Collection method: clinical testing. Allele origin: germline. Inheritance: Autosomal dominant inheritance. Affected: yes. Observed: 1 variant allele.
Comment: ACMG Criteria: PM2_SUP,PP3,BS2_SUP